The following is an entry in ClinVar:

NM_003072.5(SMARCA4):c.4012A>C (p.Met1338Leu)

Gene: SMARCA4 (SWI/SNF related BAF chromatin remodeling complex subunit ATPase 4; plus strand). Cytogenetic location: 19p13.2.
Variant type: single nucleotide variant.
Coding change: c.4012A>C on transcript NM_003072.5 (MANE Select); coding-DNA position 4012, A replaced by C.
Protein change: p.Met1338Leu; replaces methionine 1338 with leucine.
Molecular consequence: missense variant. On other transcripts: non-coding transcript variant (1).
Genome position (GRCh38, 1-based): chr19:11,034,974, A>C. VCF-style: chr19-11034974-A-C. GRCh37 (hg19) VCF-style: chr19-11145650-A-C.
Other names: c.3913A>C, p.Met1305Leu (NM_001128846.2, NM_001128847.4, NM_001128848.2 and 3 more transcripts); c.4012A>C, p.Met1338Leu (NM_001128849.3, NM_001387283.1, NM_001128844.3); short protein forms M1338L, M1305L.
Identifiers: ClinVar variation 2862102 (VCV002862102.3), dbSNP rs1555785383, ClinGen allele CA404068110.
Genomic context (GRCh38, chr19:11,034,974, plus strand): 5'-CGCATGGACCTGGACCGCAGGCGCGAGGAGGCCCGCAACCCCAAGCGGAAGCCGCGCCTC[A>C]TGGAGGAGGACGAGCTCCCCTCGTGGATCATCAAGGACGACGCGGAGGTGGAGCGGCTGA-3'
Protein context (NP_003063.2, residues 1328-1348): ARNPKRKPRL[Met1338Leu]EEDELPSWII

ClinVar aggregate classification (germline): Uncertain significance (1 of 4 stars; one submission).

Conditions:
Rhabdoid tumor predisposition syndrome 2 (RTPS2). Identifiers: Orphanet 231108, Orphanet 69077, MedGen C2750074, MONDO:0013224, OMIM 613325.

Submission:

Labcorp Genetics (formerly Invitae), Labcorp
Classification: Uncertain significance for Rhabdoid tumor predisposition syndrome 2. Last evaluated: 2023-08-11. Review status: criteria provided, single submitter. Criteria: Invitae Variant Classification Sherloc (09022015). Collection method: clinical testing. Allele origin: germline.
Comment: This variant is not present in population databases (gnomAD no frequency). In summary, the available evidence is currently insufficient to determine the role of this variant in disease. Therefore, it has been classified as a Variant of Uncertain Significance. Advanced modeling of protein sequence and biophysical properties (such as structural, functional, and spatial information, amino acid conservation, physicochemical variation, residue mobility, and thermodynamic stability) has been performed at Invitae for this missense variant, however the output from this modeling did not meet the statistical confidence thresholds required to predict the impact of this variant on SMARCA4 protein function. This variant has not been reported in the literature in individuals affected with SMARCA4-related conditions. This sequence change replaces methionine, which is neutral and non-polar, with leucine, which is neutral and non-polar, at codon 1338 of the SMARCA4 protein (p.Met1338Leu).